The following is an entry in ClinVar:

ClinVar aggregate classification (germline): Pathogenic. Review status: criteria provided, multiple submitters, no conflicts (2 of 4 stars). 3 submissions from 3 submitters: Pathogenic (3). Last evaluated 2024-10-12.
ClinVar aggregate classification (oncogenicity): Likely oncogenic (1 of 4 stars; one submission).

Conditions:
RASA1-related disorder. Also called: RASA1-related condition.
Capillary malformation-arteriovenous malformation syndrome. Also called: Capillary malformation-arteriovenous malformation. Identifiers: Orphanet 137667, MedGen C1842180, MONDO:0012016.
Neoplasm. Also called: Neoplasms; Neoplasm (disease); tumor. Identifiers: MedGen C0027651, MeSH D009369, MONDO:0005070, HP:0002664.

Submissions (4):

Center for Genomic Medicine, Rigshospitalet, Copenhagen University Hospital
Classification: Likely oncogenic for Neoplasm. Last evaluated: 2025-12-29. Review status: criteria provided, single submitter. Criteria: ClinGen/CGC/VICC Guidelines for Oncogenicity, 2022. Collection method: clinical testing. Allele origin: somatic. Affected: yes.

Labcorp Genetics (formerly Invitae), Labcorp
Classification: Pathogenic for Capillary malformation-arteriovenous malformation syndrome. Last evaluated: 2024-10-12. Review status: criteria provided, single submitter. Criteria: Invitae Variant Classification Sherloc (09022015). Collection method: clinical testing. Allele origin: germline.
Comment: This sequence change creates a premature translational stop signal (p.Ser817Tyrfs*12) in the RASA1 gene. It is expected to result in an absent or disrupted protein product. Loss-of-function variants in RASA1 are known to be pathogenic (PMID: 24038909). This variant is not present in population databases (gnomAD no frequency). This premature translational stop signal has been observed in individual(s) with capillary malformation-arteriovenous malformation (PMID: 18446851). ClinVar contains an entry for this variant (Variation ID: 280128). For these reasons, this variant has been classified as Pathogenic.

PreventionGenetics, part of Exact Sciences
Classification: Pathogenic for RASA1-related condition. Last evaluated: 2023-08-09. Review status: criteria provided, single submitter. Criteria: ACMG Guidelines, 2015. Collection method: clinical testing. Allele origin: germline.
Comment: The RASA1 c.2450_2451delCT variant is predicted to result in a frameshift and premature protein termination (p.Ser817Tyrfs*12). This variant has been reported in two individuals from the same family, one with capillary malformations (CM) and the other with both CM and arterio-venous malformation/arteriovenous fistula (AVM/AVF) (Family 33, Revencu et al. 2008. PubMed ID: 18446851). This variant has not been reported in a large population database, indicating this variant is rare. Frameshift variants in RASA1 are expected to be pathogenic. This variant is interpreted as pathogenic.

GeneDx
Classification: Pathogenic. Last evaluated: 2017-10-30. Review status: criteria provided, single submitter. Criteria: GeneDx Variant Classification (06012015). Collection method: clinical testing. Allele origin: germline. Affected: yes.
Comment: The c.2450_2451delCT pathogenic variant in the RASA1 gene has been previously reported in two relatives from the same family; one relative was diagnosed with CM-AVMs, and the other relative was diagnosed with both CM-AVMs and fast-flow vascular malformations (Revencu et al., 2008). This pathogenic variant causes a shift in reading frame starting at codon Serine 817, changing it to a Tyrosine, and creating a premature stop codon at position 12 of the new reading frame, denoted p.Ser817TyrfsX12. This pathogenic variant is expected to result in either an abnormal, truncated protein product or loss of protein from this allele through nonsense-mediated mRNA decay. Multiple other downstream frameshift variants in the RASA1 gene have been reported in HGMD in association with RASA1-related disorders (Stenson et al., 2014). Furthermore, c.2450_2451delCT was not observed in large population cohorts (Lek et al., 2016). In summary, c.2450_2451delCT in the RASA1 gene is interpreted as a pathogenic variant.

Literature cited by the submitters: PubMed 24038909 (cited by Labcorp Genetics (formerly Invitae), Labcorp); PubMed 18446851 (cited by Labcorp Genetics (formerly Invitae), Labcorp).

NM_002890.3(RASA1):c.2450_2451del (p.Ser817fs)

Genes: CCNH (cyclin H; minus strand), RASA1 (RAS p21 protein activator 1; plus strand). Cytogenetic location: 5q14.3.
Variant type: Microsatellite.
Coding change: c.2450_2451del on transcript NM_002890.3 (MANE Select); coding-DNA positions 2450 to 2451, 2 bases deleted (CT; older notation c.2450_2451delCT).
Protein change: p.Ser817fs; shifts the reading frame from serine 817.
Molecular consequence: frameshift variant. On other transcripts: intron variant (1).
Genome position (GRCh38, 1-based): chr5:87,378,501-87,378,502, CT deleted; deleting any 2 consecutive bases within chr5:87,378,499-87,378,502 gives the same sequence; the c. name uses the placement nearest the transcript's 3' end. VCF-style (leftmost placement, unchanged base first): chr5-87378498-ACT-A. GRCh37 (hg19) VCF-style: chr5-86674315-ACT-A.
Other names: c.2450_2451delCT (NM_002890.3); c.1919_1920del, p.Ser640fs (NM_022650.3); c.933+16544_933+16545del (NM_001364075.2); short protein forms S640fs, S817fs.
Identifiers: ClinVar variation 280128 (VCV000280128.7), dbSNP rs886041400, ClinGen allele CA10602995.